The following is an entry in ClinVar:

ClinVar aggregate classification (germline): Uncertain significance (1 of 4 stars; one submission).

Allele frequency attached by ClinVar (database versions not stated): gnomAD exomes 0.00010; ExAC 0.00015; ESP Exome Variant Server 0.00027; 1000 Genomes Project 30x 0.00047; 1000 Genomes Project 0.00060.

Submission:

Labcorp Genetics (formerly Invitae), Labcorp
Classification: Uncertain significance. Last evaluated: 2022-08-23. Review status: criteria provided, single submitter. Criteria: Invitae Variant Classification Sherloc (09022015). Collection method: clinical testing. Allele origin: germline.
Comment: This sequence change replaces arginine, which is basic and polar, with histidine, which is basic and polar, at codon 20 of the NDUFA11 protein (p.Arg20His). The frequency data for this variant in the population databases is considered unreliable, as metrics indicate poor data quality at this position in the gnomAD database. This variant has not been reported in the literature in individuals affected with NDUFA11-related conditions. ClinVar contains an entry for this variant (Variation ID: 1368445). Algorithms developed to predict the effect of missense changes on protein structure and function output the following: SIFT: "Tolerated"; PolyPhen-2: "Benign"; Align-GVGD: "Class C0". The histidine amino acid residue is found in multiple mammalian species, which suggests that this missense change does not adversely affect protein function. In summary, the available evidence is currently insufficient to determine the role of this variant in disease. Therefore, it has been classified as a Variant of Uncertain Significance.

NM_175614.5(NDUFA11):c.59G>A (p.Arg20His)

Genes: NDUFA11 (NADH:ubiquinone oxidoreductase subunit A11; minus strand), LOC112552175 (Sharpr-MPRA regulatory region 9916; plus strand). Cytogenetic location: 19p13.3.
Variant type: single nucleotide variant.
Coding change: c.59G>A on transcript NM_175614.5 (MANE Select); coding-DNA position 59, G replaced by A.
Protein change: p.Arg20His; replaces arginine 20 with histidine.
Molecular consequence: missense variant. On other transcripts: non-coding transcript variant (1).
Genome position (GRCh38, 1-based): chr19:5,903,650, C>T on the plus strand (G>A on the coding strand, the complement: NDUFA11 is on the minus strand). VCF-style: chr19-5903650-C-T. GRCh37 (hg19) VCF-style: chr19-5903661-C-T.
Other names: c.59G>A, p.Arg20His (NM_001193375.3); short protein forms R20H.
Identifiers: ClinVar variation 1368445 (VCV001368445.5), dbSNP rs143941062, ClinGen allele CA9119047.